The following is an entry in ClinVar:

ClinVar aggregate classification (germline): Uncertain significance. Review status: criteria provided, multiple submitters, no conflicts (2 of 4 stars). 2 submissions from 2 submitters: Uncertain significance (2). Last evaluated 2023-03-17.

Conditions:
Left ventricular noncompaction 1 (LVNC1). Also called: LEFT VENTRICULAR NONCOMPACTION 1 WITH OR WITHOUT CONGENITAL HEART DEFECTS. Identifiers: Orphanet 54260, MedGen C1858725, MONDO:0011403, OMIM 604169.

Allele frequency attached by ClinVar (database versions not stated): gnomAD 0.00001; TOPMed 0.00002; gnomAD exomes 0.00003; ExAC 0.00004; 1000 Genomes Project 30x 0.00016; 1000 Genomes Project 0.00020.
gnomAD v4.1: 22 of 1,614,086 alleles (0.0014%); highest among the groups gnomAD compares: East Asian, 0.045%; no homozygotes.

Submissions (2):

Ambry Genetics
Classification: Uncertain significance. Last evaluated: 2023-03-17. Review status: criteria provided, single submitter. Criteria: Ambry Variant Classification Scheme 2023. Collection method: clinical testing. Allele origin: germline.

Labcorp Genetics (formerly Invitae), Labcorp
Classification: Uncertain significance for Left ventricular noncompaction 1. Last evaluated: 2019-04-26. Review status: criteria provided, single submitter. Criteria: Invitae Variant Classification Sherloc (09022015). Collection method: clinical testing. Allele origin: germline.
Comment: Algorithms developed to predict the effect of missense changes on protein structure and function are either unavailable or do not agree on the potential impact of this missense change (SIFT: "Deleterious"; PolyPhen-2: "Possibly Damaging"; Align-GVGD: "Class C0"). In summary, the available evidence is currently insufficient to determine the role of this variant in disease. Therefore, it has been classified as a Variant of Uncertain Significance. This variant has not been reported in the literature in individuals with DTNA-related conditions. This variant is present in population databases (rs201472116, ExAC 0.06%). This sequence change replaces glutamine with histidine at codon 323 of the DTNA protein (p.Gln323His). The glutamine residue is highly conserved and there is a small physicochemical difference between glutamine and histidine.

NM_001386795.1(DTNA):c.969G>C (p.Gln323His)

Gene: DTNA (dystrobrevin alpha; plus strand). Cytogenetic location: 18q12.1.
Variant type: single nucleotide variant.
Coding change: c.969G>C on transcript NM_001386795.1 (MANE Select); coding-DNA position 969, G replaced by C.
Protein change: p.Gln323His; replaces glutamine 323 with histidine.
Molecular consequence: missense variant. On other transcripts: intron variant (1).
Genome position (GRCh38, 1-based): chr18:34,820,883, G>C. VCF-style: chr18-34820883-G-C. GRCh37 (hg19) VCF-style: chr18-32400847-G-C.
Other names: c.969G>C, p.Gln323His (NM_001128175.2, NM_001198938.2, NM_001198939.2 and 34 more transcripts); c.15G>C, p.Gln5His (NM_001198942.1, NM_001198944.1, NM_032980.4 and 1 more transcripts); c.219G>C, p.Gln73His (NM_001198943.1); c.603+8770G>C (NM_001198945.2); short protein forms Q73H, Q323H, Q5H.
Identifiers: ClinVar variation 944756 (VCV000944756.11), dbSNP rs201472116, ClinGen allele CA8935501.
Genomic context (GRCh38, chr18:34,820,883, plus strand): 5'-AAGCAAGTCCCTGAGCTGTGCTTCCAGCCGTGAACCTTTGCACCCCATGTTCCCAGATCA[G>C]CCTGAGAAGCCACTCAACTTGGCTCACATCGTGTGAGTATCCCTACCCTCCCAGTATAGA-3'
Protein context (NP_001373724.1, residues 313-333): REPLHPMFPD[Gln323His]PEKPLNLAHI